The following is an entry in ClinVar:

NM_000128.4(F11):c.558dup (p.Gly187fs)

Gene: F11 (coagulation factor XI; plus strand). Cytogenetic location: 4q35.2.
Variant type: Duplication.
Coding change: c.558dup on transcript NM_000128.4 (MANE Select); coding-DNA position 558, one base duplicated (T; older notation c.558dupT).
Protein change: p.Gly187fs; shifts the reading frame from glycine 187.
Molecular consequence: frameshift variant. On other transcripts: intron variant (4).
Genome position (GRCh38, 1-based): chr4:186,275,859, T duplicated. VCF-style (leftmost placement, unchanged base first): chr4-186275858-C-CT. GRCh37 (hg19) VCF-style: chr4-187197012-C-CT.
Other names: c.558dup, p.Gly187fs (NM_001440590.1, NM_001440593.1, NM_001440596.1); c.485+1584dup (NM_001440605.1, NM_001440607.1, NM_001440606.1 and 1 more transcripts); short protein forms G187fs.
Identifiers: ClinVar variation 5015493 (VCV005015493.1).

ClinVar aggregate classification (germline): Pathogenic (1 of 4 stars; one submission).

Conditions:
Hereditary factor XI deficiency disease. Also called: PLASMA THROMBOPLASTIN ANTECEDENT DEFICIENCY; PTA DEFICIENCY; ROSENTHAL SYNDROME; Congenital factor XI deficiency. Identifiers: Orphanet 329, MedGen C0015523, MeSH D005173, MONDO:0012897, OMIM 612416.

Submission:

Myriad Genetics, Inc.
Classification: Pathogenic for Hereditary factor XI deficiency disease. Last evaluated: 2026-01-26. Review status: criteria provided, single submitter. Criteria: Myriad Autosomal Dominant, Autosomal Recessive and X-Linked Classification Criteria (2023). Collection method: clinical testing. Allele origin: unknown.
Comment: NM_000128.3(F11):c.558dupT(G187Wfs*11) is expected to be pathogenic in the context of factor XI deficiency. This variant is predicted to lead to an abnormal or absent protein product due to the creation of a premature termination codon in F11, a gene where loss-of-function variants are known to be pathogenic. Please note: this variant was assessed in the context of healthy population screening.